The following is an entry in ClinVar:

NM_031418.4(ANO3):c.2180G>A (p.Arg727Gln)

Gene: ANO3 (anoctamin 3; plus strand). Cytogenetic location: 11p14.2.
Variant type: single nucleotide variant.
Coding change: c.2180G>A on transcript NM_031418.4 (MANE Select); coding-DNA position 2180, G replaced by A.
Protein change: p.Arg727Gln; replaces arginine 727 with glutamine.
Molecular consequence: missense variant.
Genome position (GRCh38, 1-based): chr11:26,641,934, G>A. VCF-style: chr11-26641934-G-A. GRCh37 (hg19) VCF-style: chr11-26663481-G-A.
Other names: c.2363G>A, p.Arg788Gln (NM_001313726.2); c.1742G>A, p.Arg581Gln (NM_001313727.2); short protein forms R727Q, R581Q, R788Q.
Identifiers: ClinVar variation 3400732 (VCV003400732.3).

ClinVar aggregate classification (germline): Uncertain significance. Review status: criteria provided, multiple submitters, no conflicts (2 of 4 stars). 2 submissions from 2 submitters: Uncertain significance (2). Last evaluated 2025-03-20.

Conditions:
Dystonic disorder. Also called: Dystonia. Identifiers: MedGen C0013421, MONDO:0003441, HP:0001332.
Inborn genetic diseases. Identifiers: MedGen C0950123, MeSH D030342.

gnomAD v4.1: 15 of 1,613,794 alleles (0.00093%); highest among the groups gnomAD compares: Middle Eastern, 0.016%; no homozygotes.

Submissions (2):

Labcorp Genetics (formerly Invitae), Labcorp
Classification: Uncertain significance for Dystonic disorder. Last evaluated: 2025-03-20. Review status: criteria provided, single submitter. Criteria: Invitae Variant Classification Sherloc (09022015). Collection method: clinical testing. Allele origin: germline.
Comment: This sequence change replaces arginine, which is basic and polar, with glutamine, which is neutral and polar, at codon 727 of the ANO3 protein (p.Arg727Gln). This variant is present in population databases (rs753762199, gnomAD no frequency). This variant has not been reported in the literature in individuals affected with ANO3-related conditions. ClinVar contains an entry for this variant (Variation ID: 3400732). Invitae Evidence Modeling of protein sequence and biophysical properties (such as structural, functional, and spatial information, amino acid conservation, physicochemical variation, residue mobility, and thermodynamic stability) indicates that this missense variant is not expected to disrupt ANO3 protein function with a negative predictive value of 95%. In summary, the available evidence is currently insufficient to determine the role of this variant in disease. Therefore, it has been classified as a Variant of Uncertain Significance.

Ambry Genetics
Classification: Uncertain significance for Inborn genetic diseases. Last evaluated: 2024-10-07. Review status: criteria provided, single submitter. Criteria: Ambry Variant Classification Scheme 2023. Collection method: clinical testing. Allele origin: germline.